The following is an entry in ClinVar:

NM_001776.6(ENTPD1):c.419A>C (p.Glu140Ala)

Genes: ENTPD1 (ectonucleoside triphosphate diphosphohydrolase 1; plus strand), ENTPD1-AS1 (ENTPD1 antisense RNA 1; minus strand). Cytogenetic location: 10q24.1.
Variant type: single nucleotide variant.
Coding change: c.419A>C on transcript NM_001776.6 (MANE Select); coding-DNA position 419, A replaced by C.
Protein change: p.Glu140Ala; replaces glutamic acid 140 with alanine.
Molecular consequence: missense variant.
Genome position (GRCh38, 1-based): chr10:95,844,481, A>C. VCF-style: chr10-95844481-A-C. GRCh37 (hg19) VCF-style: chr10-97604238-A-C.
Other names: c.440A>C, p.Glu147Ala (NM_001098175.2); c.455A>C, p.Glu152Ala (NM_001164178.1, NM_001320916.1); c.419A>C, p.Glu140Ala (NM_001164179.2); c.95A>C, p.Glu32Ala (NM_001164181.1, NM_001312654.1); c.5A>C, p.Glu2Ala (NM_001164182.2, NM_001164183.2); short protein forms E32A, E140A, E147A, E152A, E2A.
Identifiers: ClinVar variation 2157361 (VCV002157361.5), dbSNP rs762979493, ClinGen allele CA5621401.

ClinVar aggregate classification (germline): Uncertain significance. Review status: criteria provided, multiple submitters, no conflicts (2 of 4 stars). 2 submissions from 2 submitters: Uncertain significance (2). Last evaluated 2024-09-11.

Conditions:
Inborn genetic diseases. Identifiers: MedGen C0950123, MeSH D030342.
Hereditary spastic paraplegia 64. Also called: Spastic paraplegia 64, autosomal recessive; ENTPD1-Related Neurodevelopmental Disorder. Identifiers: Orphanet 401810, MedGen C3810289, MONDO:0014303, OMIM 615683.

Allele frequency attached by ClinVar (database versions not stated): ExAC 0.00001; gnomAD 0.00001; TOPMed 0.00001.
gnomAD v4.1: 47 of 1,614,018 alleles (0.0029%); highest among the groups gnomAD compares: Non-Finnish European, 0.004%; no homozygotes.

Submissions (2):

Ambry Genetics
Classification: Uncertain significance for Inborn genetic diseases. Last evaluated: 2024-09-11. Review status: criteria provided, single submitter. Criteria: Ambry Variant Classification Scheme 2023. Collection method: clinical testing. Allele origin: germline.

Labcorp Genetics (formerly Invitae), Labcorp
Classification: Uncertain significance for Hereditary spastic paraplegia 64. Last evaluated: 2022-05-27. Review status: criteria provided, single submitter. Criteria: Invitae Variant Classification Sherloc (09022015). Collection method: clinical testing. Allele origin: germline.
Comment: In summary, the available evidence is currently insufficient to determine the role of this variant in disease. Therefore, it has been classified as a Variant of Uncertain Significance. Algorithms developed to predict the effect of missense changes on protein structure and function are either unavailable or do not agree on the potential impact of this missense change (SIFT: "Deleterious"; PolyPhen-2: "Benign"; Align-GVGD: "Class C0"). This variant has not been reported in the literature in individuals affected with ENTPD1-related conditions. This variant is present in population databases (rs762979493, gnomAD 0.002%). This sequence change replaces glutamic acid, which is acidic and polar, with alanine, which is neutral and non-polar, at codon 140 of the ENTPD1 protein (p.Glu140Ala).